The following is an entry in ClinVar:

ClinVar aggregate classification (germline): Uncertain significance. Review status: criteria provided, multiple submitters, no conflicts (2 of 4 stars). 2 submissions from 2 submitters: Uncertain significance (2). Last evaluated 2026-08-20.

Conditions:
TULP1-related disorder. Also called: TULP1-related condition; TULP1-related disorders.

Allele frequency attached by ClinVar (database versions not stated): gnomAD exomes 0.00001; TOPMed 0.00002; gnomAD 0.00003.
gnomAD v4.1: 9 of 1,613,908 alleles (0.00056%); highest among the groups gnomAD compares: East Asian, 0.0067%; no homozygotes.

Submissions (2):

PreventionGenetics, part of Exact Sciences
Classification: Uncertain significance for TULP1-related condition. Last evaluated: 2026-08-20. Review status: criteria provided, single submitter. Criteria: ACMG Guidelines, 2015. Collection method: clinical testing. Allele origin: germline.
Comment: The TULP1 c.499G>C variant is predicted to result in the amino acid substitution p.Gly167Arg. To our knowledge, this variant has not been reported in the literature. This variant is reported in 0.0033% of alleles in individuals of South Asian descent in gnomAD. At this time, the clinical significance of this variant is uncertain due to the absence of conclusive functional and genetic evidence.

Labcorp Genetics (formerly Invitae), Labcorp
Classification: Uncertain significance. Last evaluated: 2022-07-15. Review status: criteria provided, single submitter. Criteria: Invitae Variant Classification Sherloc (09022015). Collection method: clinical testing. Allele origin: germline.
Comment: This sequence change replaces glycine, which is neutral and non-polar, with arginine, which is basic and polar, at codon 167 of the TULP1 protein (p.Gly167Arg). This variant also falls at the last nucleotide of exon 5, which is part of the consensus splice site for this exon. This variant is present in population databases (no rsID available, gnomAD 0.003%). This variant has not been reported in the literature in individuals affected with TULP1-related conditions. Algorithms developed to predict the effect of missense changes on protein structure and function are either unavailable or do not agree on the potential impact of this missense change (SIFT: "Not Available"; PolyPhen-2: "Probably Damaging"; Align-GVGD: "Not Available"). Variants that disrupt the consensus splice site are a relatively common cause of aberrant splicing (PMID: 17576681, 9536098). Algorithms developed to predict the effect of sequence changes on RNA splicing suggest that this variant may disrupt the consensus splice site. In summary, the available evidence is currently insufficient to determine the role of this variant in disease. Therefore, it has been classified as a Variant of Uncertain Significance.

Literature cited by the submitters: PubMed 17576681 (cited by Labcorp Genetics (formerly Invitae), Labcorp); PubMed 9536098 (cited by Labcorp Genetics (formerly Invitae), Labcorp).

NM_003322.6(TULP1):c.499G>C (p.Gly167Arg)

Gene: TULP1 (TUB like protein 1; minus strand). Cytogenetic location: 6p21.31.
Variant type: single nucleotide variant.
Coding change: c.499G>C on transcript NM_003322.6 (MANE Select); coding-DNA position 499, G replaced by C.
Protein change: p.Gly167Arg; replaces glycine 167 with arginine.
Molecular consequence: missense variant.
Genome position (GRCh38, 1-based): chr6:35,510,861, C>G on the plus strand (G>C on the coding strand, the complement: TULP1 is on the minus strand). VCF-style: chr6-35510861-C-G. GRCh37 (hg19) VCF-style: chr6-35478638-C-G.
Other names: c.340G>C, p.Gly114Arg (NM_001289395.2); c.499G>C (NM_003322.5); short protein forms G114R, G167R.
Identifiers: ClinVar variation 2069083 (VCV002069083.2), dbSNP rs1337478675, ClinGen allele CA363783007.
Genomic context (GRCh38, chr6:35,510,861, plus strand): 5'-CCTCCAAGGACAGGGCTGTTCTGCTTCCCTGTGAGCTCTCTCAGCACCCTCAGCACCCAC[C>G]CCTTGGGCCCTGGGCCTTGGCCCTCCTCTCCTTCAGGTCTGCGGAGCTCTTCTCTCTCAG-3'
Protein context (NP_003313.3, residues 157-177): ERRAKAQGPR[Gly167Arg]DLGSPDPPPK